The following is an entry in ClinVar:

ClinVar aggregate classification (germline): Uncertain significance (1 of 4 stars; one submission).

Conditions:
Anterior segment dysgenesis. Also called: Ocular anterior segment dysgenesis. Identifiers: Orphanet 88632, MedGen C1862839, MONDO:0019503, HP:0007700.
Congenital primary aphakia. Also called: Anterior segment dysgenesis 2, multiple subtypes; ANTERIOR SEGMENT DYSGENESIS 2. Identifiers: Orphanet 83461, MedGen C1853230, MONDO:0012456, OMIM 610256.

Allele frequency attached by ClinVar (database versions not stated): gnomAD 0.00001; TOPMed 0.00002.

Submission:

Labcorp Genetics (formerly Invitae), Labcorp
Classification: Uncertain significance for Anterior segment dysgenesis; Congenital primary aphakia. Last evaluated: 2023-10-23. Review status: criteria provided, single submitter. Criteria: Invitae Variant Classification Sherloc (09022015). Collection method: clinical testing. Allele origin: germline.
Comment: This sequence change replaces alanine, which is neutral and non-polar, with threonine, which is neutral and polar, at codon 242 of the FOXE3 protein (p.Ala242Thr). This variant is not present in population databases (gnomAD no frequency). This variant has not been reported in the literature in individuals affected with FOXE3-related conditions. Advanced modeling of protein sequence and biophysical properties (such as structural, functional, and spatial information, amino acid conservation, physicochemical variation, residue mobility, and thermodynamic stability) performed at Invitae indicates that this missense variant is not expected to disrupt FOXE3 protein function with a negative predictive value of 80%. In summary, the available evidence is currently insufficient to determine the role of this variant in disease. Therefore, it has been classified as a Variant of Uncertain Significance.

NM_012186.3(FOXE3):c.724G>A (p.Ala242Thr)

Genes: LINC01389 (long independently transcribed non-coding RNA 1389; minus strand), FOXE3 (forkhead box E3; plus strand). Cytogenetic location: 1p33.
Variant type: single nucleotide variant.
Coding change: c.724G>A on transcript NM_012186.3 (MANE Select); coding-DNA position 724, G replaced by A.
Protein change: p.Ala242Thr; replaces alanine 242 with threonine.
Molecular consequence: missense variant.
Genome position (GRCh38, 1-based): chr1:47,417,039, G>A. VCF-style: chr1-47417039-G-A. GRCh37 (hg19) VCF-style: chr1-47882711-G-A.
Other names: short protein forms A242T.
Identifiers: ClinVar variation 2930333 (VCV002930333.3), dbSNP rs1405444874, ClinGen allele CA340250590.